The following is an entry in ClinVar:

NM_138694.4(PKHD1):c.3016A>G (p.Ile1006Val)

Gene: PKHD1 (PKHD1 ciliary IPT domain containing fibrocystin/polyductin; minus strand). Cytogenetic location: 6p12.2.
Variant type: single nucleotide variant.
Coding change: c.3016A>G on transcript NM_138694.4 (MANE Select); coding-DNA position 3016, A replaced by G.
Protein change: p.Ile1006Val; replaces isoleucine 1006 with valine.
Molecular consequence: missense variant.
Genome position (GRCh38, 1-based): chr6:52,042,940, T>C on the plus strand (A>G on the coding strand, the complement: PKHD1 is on the minus strand). VCF-style: chr6-52042940-T-C. GRCh37 (hg19) VCF-style: chr6-51907738-T-C.
Other names: c.3016A>G (NM_138694.3); c.3016A>G, p.Ile1006Val (NM_170724.3); short protein forms I1006V.
Identifiers: ClinVar variation 2696306 (VCV002696306.5), dbSNP rs1281505890, ClinGen allele CA364442077.

ClinVar aggregate classification (germline): Conflicting classifications of pathogenicity. Review status: criteria provided, conflicting classifications (1 of 4 stars). 3 submissions from 3 submitters: Uncertain significance (2); Likely benign (1). Last evaluated 2025-08-12.

Conditions:
Polycystic kidney disease 4 (PKD4). Also called: POLYCYSTIC KIDNEY AND HEPATIC DISEASE 1; POLYCYSTIC KIDNEY DISEASE, INFANTILE, TYPE I; PKD3; POLYCYSTIC KIDNEY DISEASE 4 WITH OR WITHOUT POLYCYSTIC LIVER DISEASE; Autosomal Recessive Polycystic Kidney Disease – PKHD1. Identifiers: MedGen C4540575, MONDO:0033004, OMIM 263200.
Autosomal recessive polycystic kidney disease (ARPKD). Also called: AR polycystic kidney disease. Identifiers: Orphanet 731, Orphanet 8378, MedGen C0085548, MeSH D017044, MONDO:0009889.
Inborn genetic diseases. Identifiers: MedGen C0950123, MeSH D030342.

Allele frequency attached by ClinVar (database versions not stated): gnomAD exomes below 0.00001; TOPMed below 0.00001; gnomAD 0.00001.
gnomAD v4.1: 2 of 1,613,818 alleles (0.00012%); highest among the groups gnomAD compares: East Asian, 0.0022%; no homozygotes.

Submissions (3):

Ambry Genetics
Classification: Likely benign for Inborn genetic diseases. Last evaluated: 2025-08-12. Review status: criteria provided, single submitter. Criteria: Ambry Variant Classification Scheme 2023. Collection method: clinical testing. Allele origin: germline.

Labcorp Genetics (formerly Invitae), Labcorp
Classification: Uncertain significance for Autosomal recessive polycystic kidney disease. Last evaluated: 2025-06-12. Review status: criteria provided, single submitter. Criteria: Invitae Variant Classification Sherloc (09022015). Collection method: clinical testing. Allele origin: germline.
Comment: This sequence change replaces isoleucine, which is neutral and non-polar, with valine, which is neutral and non-polar, at codon 1006 of the PKHD1 protein (p.Ile1006Val). This variant is not present in population databases (gnomAD no frequency). This variant has not been reported in the literature in individuals affected with PKHD1-related conditions. ClinVar contains an entry for this variant (Variation ID: 2696306). Invitae Evidence Modeling of protein sequence and biophysical properties (such as structural, functional, and spatial information, amino acid conservation, physicochemical variation, residue mobility, and thermodynamic stability) indicates that this missense variant is not expected to disrupt PKHD1 protein function with a negative predictive value of 95%. In summary, the available evidence is currently insufficient to determine the role of this variant in disease. Therefore, it has been classified as a Variant of Uncertain Significance.

Fulgent Genetics
Classification: Uncertain significance for Polycystic kidney disease 4. Last evaluated: 2024-04-07. Review status: criteria provided, single submitter. Criteria: ACMG Guidelines, 2015. Collection method: clinical testing. Allele origin: germline.